The following is an entry in ClinVar:

ClinVar aggregate classification (germline): Uncertain significance (1 of 4 stars; one submission).

Conditions:
Thrombocytopenia 1. Also called: X-linked thrombocytopenia with normal platelets; THROMBOCYTOPENIA, X-LINKED, 1; X-Linked Thrombocytopenia (XLT). Identifiers: Orphanet 268322, Orphanet 852, MedGen C1839163, MONDO:0010743, OMIM 313900.
Wiskott-Aldrich syndrome (WAS). Also called: ALDRICH SYNDROME; IMMUNODEFICIENCY 2; WISKOTT-ALDRICH SYNDROME 1; Wiskott-aldrich syndrome, somatic. Identifiers: Orphanet 906, MedGen C0043194, MONDO:0010518, OMIM 301000.
X-linked severe congenital neutropenia (SCNX). Identifiers: Orphanet 86788, MedGen C1845987, MONDO:0010294, OMIM 300299.

Submission:

Labcorp Genetics (formerly Invitae), Labcorp
Classification: Uncertain significance for Wiskott-Aldrich syndrome; X-linked severe congenital neutropenia; Thrombocytopenia 1. Last evaluated: 2024-08-13. Review status: criteria provided, single submitter. Criteria: Invitae Variant Classification Sherloc (09022015). Collection method: clinical testing. Allele origin: germline.
Comment: This sequence change replaces arginine, which is basic and polar, with proline, which is neutral and non-polar, at codon 439 of the WAS protein (p.Arg439Pro). This variant is not present in population databases (gnomAD no frequency). This missense change has been observed in individual(s) with WAS-related disorder (Invitae). ClinVar contains an entry for this variant (Variation ID: 950368). Invitae Evidence Modeling of protein sequence and biophysical properties (such as structural, functional, and spatial information, amino acid conservation, physicochemical variation, residue mobility, and thermodynamic stability) indicates that this missense variant is expected to disrupt WAS protein function with a positive predictive value of 80%. In summary, the available evidence is currently insufficient to determine the role of this variant in disease. Therefore, it has been classified as a Variant of Uncertain Significance.

NM_000377.3(WAS):c.1316G>C (p.Arg439Pro)

Gene: WAS (WASP actin nucleation promoting factor; plus strand). Cytogenetic location: Xp11.23.
Variant type: single nucleotide variant.
Coding change: c.1316G>C on transcript NM_000377.3 (MANE Select); coding-DNA position 1316, G replaced by C.
Protein change: p.Arg439Pro; replaces arginine 439 with proline.
Molecular consequence: missense variant.
Genome position (GRCh38, 1-based): chrX:48,689,044, G>C. VCF-style: chrX-48689044-G-C. GRCh37 (hg19) VCF-style: chrX-48547433-G-C.
Other names: short protein forms R439P.
Identifiers: ClinVar variation 950368 (VCV000950368.8), dbSNP rs2062431180, ClinGen allele CA412873709.